The following is an entry in ClinVar:

NM_020706.2(SCAF4):c.23A>T (p.Asn8Ile)

Genes: SCAF4 (SR-related CTD associated factor 4; minus strand), LOC130066536 (ATAC-STARR-seq lymphoblastoid silent region 13243; plus strand). Cytogenetic location: 21q22.11.
Variant type: single nucleotide variant.
Coding change: c.23A>T on transcript NM_020706.2 (MANE Select); coding-DNA position 23, A replaced by T.
Protein change: p.Asn8Ile; replaces asparagine 8 with isoleucine.
Molecular consequence: missense variant.
Genome position (GRCh38, 1-based): chr21:31,731,670, T>A on the plus strand (A>T on the coding strand, the complement: SCAF4 is on the minus strand). VCF-style: chr21-31731670-T-A. GRCh37 (hg19) VCF-style: chr21-33103983-T-A.
Other names: c.23A>T, p.Asn8Ile (NM_001145444.1, NM_001145445.1); short protein forms N8I.
Identifiers: ClinVar variation 4077246 (VCV004077246.1).
Genomic context (GRCh38, chr21:31,731,670, plus strand): 5'-AGCCCCGGCTCCCGCAGCAGGCCCGGCACCCCCCTGCCCCAAACACCCCTTACCTCCTGG[T>A]TGAAGGCGTTGACGGCGTCCATGTTCGCGCTGCGGCGGCGGCTGCTCCGGGCCCGCCGGT-3'
Protein context (NP_065757.1, residues 1-18): MDAVNAF[Asn8Ile]QELFSLMDMK

ClinVar aggregate classification (germline): Uncertain significance (1 of 4 stars; one submission).

Submission:

GeneDx
Classification: Uncertain significance. Last evaluated: 2025-02-26. Review status: criteria provided, single submitter. Criteria: GeneDx Variant Classification Process June 2021. Collection method: clinical testing. Allele origin: germline. Affected: yes.
Comment: Not observed at significant frequency in large population cohorts (gnomAD); In silico analysis supports that this missense variant has a deleterious effect on protein structure/function; Has not been previously published as pathogenic or benign to our knowledge